The following is an entry in ClinVar:

ClinVar aggregate classification (germline): Uncertain significance. Review status: criteria provided, multiple submitters, no conflicts (2 of 4 stars). 2 submissions from 2 submitters: Uncertain significance (2). Last evaluated 2025-10-13.

Conditions:
Inborn genetic diseases. Identifiers: MedGen C0950123, MeSH D030342.
Monocytopenia with susceptibility to infections. Also called: IMMUNODEFICIENCY 21; GATA2 DEFICIENCY; MONOCYTOPENIA AND MYCOBACTERIAL INFECTION SYNDROME; MONOCYTOPENIA WITH SUSCEPTIBILITY TO MYCOBACTERIAL, FUNGAL, AND PAPILLOMAVIRUS INFECTIONS AND MYELODYSPLASIA; COMBINED IMMUNODEFICIENCY WITH SUSCEPTIBILITY TO MYCOBACTERIAL, VIRAL, AND FUNGAL INFECTIONS; Dendritic cell, monocyte, B lymphocyte, and natural killer lymphocyte deficiency. Identifiers: Orphanet 228423, MedGen C3280030, MONDO:0013607, OMIM 614172.
Deafness-lymphedema-leukemia syndrome. Also called: Emberger syndrome; Lymphedema, primary, with myelodysplasia. Identifiers: Orphanet 3226, MedGen C3279664, MONDO:0013540, OMIM 614038.

Allele frequency attached by ClinVar (database versions not stated): gnomAD exomes below 0.00001.
gnomAD v4.1: 3 of 1,614,048 alleles (0.00019%); highest among the groups gnomAD compares: Non-Finnish European, 0.00017%; no homozygotes.

Submissions (2):

Labcorp Genetics (formerly Invitae), Labcorp
Classification: Uncertain significance for Monocytopenia with susceptibility to infections; Deafness-lymphedema-leukemia syndrome. Last evaluated: 2025-10-13. Review status: criteria provided, single submitter. Criteria: Invitae Variant Classification Sherloc (09022015). Collection method: clinical testing. Allele origin: germline.
Comment: This sequence change replaces histidine, which is basic and polar, with glutamine, which is neutral and polar, at codon 266 of the GATA2 protein (p.His266Gln). This variant is present in population databases (no rsID available, gnomAD 0.0009%). This variant has not been reported in the literature in individuals affected with GATA2-related conditions. ClinVar contains an entry for this variant (Variation ID: 954292). Invitae Evidence Modeling of protein sequence and biophysical properties (such as structural, functional, and spatial information, amino acid conservation, physicochemical variation, residue mobility, and thermodynamic stability) indicates that this missense variant is not expected to disrupt GATA2 protein function with a negative predictive value of 95%. In summary, the available evidence is currently insufficient to determine the role of this variant in disease. Therefore, it has been classified as a Variant of Uncertain Significance.

Ambry Genetics
Classification: Uncertain significance for Inborn genetic diseases. Last evaluated: 2025-01-09. Review status: criteria provided, single submitter. Criteria: Ambry Variant Classification Scheme 2023. Collection method: clinical testing. Allele origin: germline.
Comment: The p.H266Q variant (also known as c.798C>A), located in coding exon 2 of the GATA2 gene, results from a C to A substitution at nucleotide position 798. The histidine at codon 266 is replaced by glutamine, an amino acid with highly similar properties. This amino acid position is highly conserved in available vertebrate species. In addition, the in silico prediction for this alteration is inconclusive. Based on the available evidence, the clinical significance of this variant remains unclear.

NM_032638.5(GATA2):c.798C>A (p.His266Gln)

Gene: GATA2 (GATA binding protein 2; minus strand). Cytogenetic location: 3q21.3.
Variant type: single nucleotide variant.
Coding change: c.798C>A on transcript NM_032638.5 (MANE Select); coding-DNA position 798, C replaced by A.
Protein change: p.His266Gln; replaces histidine 266 with glutamine.
Molecular consequence: missense variant.
Genome position (GRCh38, 1-based): chr3:128,485,800, G>T on the plus strand (C>A on the coding strand, the complement: GATA2 is on the minus strand). VCF-style: chr3-128485800-G-T. GRCh37 (hg19) VCF-style: chr3-128204643-G-T.
Other names: c.798C>A, p.His266Gln (NM_001145661.2, NM_001145662.1); short protein forms H266Q.
Identifiers: ClinVar variation 954292 (VCV000954292.8), dbSNP rs866323045, ClinGen allele CA83371757.